The following is an entry in ClinVar:

NM_001042492.3(NF1):c.2588A>G (p.Tyr863Cys)

Gene: NF1 (neurofibromin 1; plus strand). Cytogenetic location: 17q11.2.
Variant type: single nucleotide variant.
Coding change: c.2588A>G on transcript NM_001042492.3 (MANE Select); coding-DNA position 2588, A replaced by G.
Protein change: p.Tyr863Cys; replaces tyrosine 863 with cysteine.
Molecular consequence: missense variant.
Genome position (GRCh38, 1-based): chr17:31,229,203, A>G. VCF-style: chr17-31229203-A-G. GRCh37 (hg19) VCF-style: chr17-29556221-A-G.
Other names: c.2588A>G, p.Tyr863Cys (NM_000267.4); short protein forms Y863C.
Identifiers: ClinVar variation 857456 (VCV000857456.8), dbSNP rs1344682851, ClinGen allele CA398984388.

ClinVar aggregate classification (germline): Uncertain significance. Review status: criteria provided, multiple submitters, no conflicts (2 of 4 stars). 3 submissions from 3 submitters: Uncertain significance (3). Last evaluated 2025-06-18.

Conditions:
Hereditary cancer-predisposing syndrome. Also called: Hereditary neoplastic syndrome; Tumor predisposition; Neoplastic Syndromes, Hereditary; Hereditary Cancer Syndrome. Identifiers: Orphanet 140162, MedGen C0027672, MeSH D009386, MONDO:0015356.
Cardiovascular phenotype. Identifiers: MedGen CN230736.
Neurofibromatosis, type 1 (NF1). Also called: Neurofibromatosis, type I; VON RECKLINGHAUSEN DISEASE; Peripheral type neurofibromatosis; NEUROFIBROMATOSIS, TYPE I, SOMATIC. Identifiers: Orphanet 636, MedGen C0027831, MONDO:0018975, OMIM 162200. Disease mechanism: loss of function.

Allele frequency attached by ClinVar (database versions not stated): gnomAD exomes below 0.00001.

Submissions (3):

Labcorp Genetics (formerly Invitae), Labcorp
Classification: Uncertain significance for Neurofibromatosis, type 1. Last evaluated: 2025-06-18. Review status: criteria provided, single submitter. Criteria: Invitae Variant Classification Sherloc (09022015). Collection method: clinical testing. Allele origin: germline.
Comment: This sequence change replaces tyrosine, which is neutral and polar, with cysteine, which is neutral and slightly polar, at codon 863 of the NF1 protein (p.Tyr863Cys). This variant is present in population databases (no rsID available, gnomAD 0.004%). This variant has not been reported in the literature in individuals affected with NF1-related conditions. ClinVar contains an entry for this variant (Variation ID: 857456). Invitae Evidence Modeling of protein sequence and biophysical properties (such as structural, functional, and spatial information, amino acid conservation, physicochemical variation, residue mobility, and thermodynamic stability) indicates that this missense variant is expected to disrupt NF1 protein function with a positive predictive value of 95%. In summary, the available evidence is currently insufficient to determine the role of this variant in disease. Therefore, it has been classified as a Variant of Uncertain Significance.

GeneDx
Classification: Uncertain significance. Last evaluated: 2022-09-02. Review status: criteria provided, single submitter. Criteria: GeneDx Variant Classification Process June 2021. Collection method: clinical testing. Allele origin: germline. Affected: yes.
Comment: In silico analysis supports that this missense variant has a deleterious effect on protein structure/function; Has not been previously published as pathogenic or benign to our knowledge; This variant is associated with the following publications: (PMID: 25486365, 2121369)

Ambry Genetics
Classification: Uncertain significance for Cardiovascular phenotype; Hereditary cancer-predisposing syndrome. Last evaluated: 2022-04-06. Review status: criteria provided, single submitter. Criteria: Ambry Variant Classification Scheme 2023. Collection method: clinical testing. Allele origin: germline.
Comment: The p.Y863C variant (also known as c.2588A>G), located in coding exon 21 of the NF1 gene, results from an A to G substitution at nucleotide position 2588. The tyrosine at codon 863 is replaced by cysteine, an amino acid with highly dissimilar properties. This amino acid position is highly conserved in available vertebrate species. In addition, this alteration is predicted to be deleterious by in silico analysis. Since supporting evidence is limited at this time, the clinical significance of this alteration remains unclear.